The following is an entry in ClinVar:

NM_001369.3(DNAH5):c.6026A>G (p.Gln2009Arg)

Gene: DNAH5 (dynein axonemal heavy chain 5; minus strand). Cytogenetic location: 5p15.2.
Variant type: single nucleotide variant.
Coding change: c.6026A>G on transcript NM_001369.3 (MANE Select); coding-DNA position 6026, A replaced by G.
Protein change: p.Gln2009Arg; replaces glutamine 2009 with arginine.
Molecular consequence: missense variant.
Genome position (GRCh38, 1-based): chr5:13,830,632, T>C on the plus strand (A>G on the coding strand, the complement: DNAH5 is on the minus strand). VCF-style: chr5-13830632-T-C. GRCh37 (hg19) VCF-style: chr5-13830741-T-C.
Other names: c.6026A>G (NM_001369.2); short protein forms Q2009R.
Identifiers: ClinVar variation 2831205 (VCV002831205.5), dbSNP rs561922486, ClinGen allele CA3203505.
Genomic context (GRCh38, chr5:13,830,632, plus strand): 5'-CCAGATTAAAAAATATAACCCATACCCTTAAAAATCCGTCCAAGTCCTCGGAAATCCATC[T>C]GGTCTGAACAATTGAAAACCACGACGTATTTCCCGAGGCATCGTCCCATGTCTTTAGTGG-3'
Protein context (NP_001360.1, residues 1999-2019): KYVVVFNCSD[Gln2009Arg]MDFRGLGRIF

ClinVar aggregate classification (germline): Conflicting classifications of pathogenicity. Review status: criteria provided, conflicting classifications (1 of 4 stars). 2 submissions from 2 submitters: Uncertain significance (1); Likely benign (1). Last evaluated 2025-06-20.

Conditions:
Primary ciliary dyskinesia. Also called: Ciliary dyskinesia. Identifiers: Orphanet 244, MedGen C0008780, MONDO:0016575, HP:0012265.

Allele frequency attached by ClinVar (database versions not stated): gnomAD exomes below 0.00001; ExAC 0.00002; TOPMed 0.00002; gnomAD 0.00003; 1000 Genomes Project 30x 0.00016; 1000 Genomes Project 0.00020.
gnomAD v4.1: 5 of 1,614,246 alleles (0.00031%); highest among the groups gnomAD compares: African/African-American, 0.0053%; no homozygotes.

Submissions (2):

Ambry Genetics
Classification: Uncertain significance for Primary ciliary dyskinesia. Last evaluated: 2025-06-20. Review status: criteria provided, single submitter. Criteria: Ambry Variant Classification Scheme 2023. Collection method: clinical testing. Allele origin: germline.
Comment: The p.Q2009R variant (also known as c.6026A>G), located in coding exon 36 of the DNAH5 gene, results from an A to G substitution at nucleotide position 6026. The glutamine at codon 2009 is replaced by arginine, an amino acid with highly similar properties. This amino acid position is conserved. In addition, the in silico prediction for this alteration is inconclusive. Based on the available evidence, the clinical significance of this variant remains unclear.

Labcorp Genetics (formerly Invitae), Labcorp
Classification: Likely benign for Primary ciliary dyskinesia. Last evaluated: 2023-11-24. Review status: criteria provided, single submitter. Criteria: Invitae Variant Classification Sherloc (09022015). Collection method: clinical testing. Allele origin: germline.